The following is an entry in ClinVar:

NM_152309.3(PIK3AP1):c.664A>T (p.Met222Leu)

Gene: PIK3AP1 (phosphoinositide-3-kinase adaptor protein 1; minus strand). Cytogenetic location: 10q24.1.
Variant type: single nucleotide variant.
Coding change: c.664A>T on transcript NM_152309.3 (MANE Select); coding-DNA position 664, A replaced by T.
Protein change: p.Met222Leu; replaces methionine 222 with leucine.
Molecular consequence: missense variant.
Genome position (GRCh38, 1-based): chr10:96,652,746, T>A on the plus strand (A>T on the coding strand, the complement: PIK3AP1 is on the minus strand). VCF-style: chr10-96652746-T-A. GRCh37 (hg19) VCF-style: chr10-98412503-T-A.
Other names: short protein forms M222L.
Identifiers: ClinVar variation 576462 (VCV000576462.10), dbSNP rs774215325, ClinGen allele CA5626482.
Genomic context (GRCh38, chr10:96,652,746, plus strand): 5'-GGGACTACTTACTGGGAGCCTTCACTGAAATGGTGTACTCATTCTCCACCTTGGCTTCCA[T>A]CCTTACAGAGGGAGAATCCTCAGGAGAAAACTCTGCTTCTGTCGCCACCCTGTCATCCAG-3'
Protein context (NP_689522.2, residues 212-232): FSPEDSPSVR[Met222Leu]EAKVENEYTI

ClinVar aggregate classification (germline): Uncertain significance (1 of 4 stars; one submission).

Conditions:
Infantile spasms. Also called: Infantile spasm. Identifiers: MedGen C3887898, HP:0012469.

Allele frequency attached by ClinVar (database versions not stated): gnomAD exomes 0.00001; TOPMed 0.00008; gnomAD 0.00005; ExAC 0.00001.
gnomAD v4.1: 24 of 1,614,034 alleles (0.0015%); highest among the groups gnomAD compares: African/African-American, 0.0027%; no homozygotes.

Submission:

Labcorp Genetics (formerly Invitae), Labcorp
Classification: Uncertain significance for Infantile spasms. Last evaluated: 2023-06-04. Review status: criteria provided, single submitter. Criteria: Invitae Variant Classification Sherloc (09022015). Collection method: clinical testing. Allele origin: germline.
Comment: This sequence change replaces methionine, which is neutral and non-polar, with leucine, which is neutral and non-polar, at codon 222 of the PIK3AP1 protein (p.Met222Leu). This variant is present in population databases (rs774215325, gnomAD 0.002%). This variant has not been reported in the literature in individuals affected with PIK3AP1-related conditions. ClinVar contains an entry for this variant (Variation ID: 576462). An algorithm developed to predict the effect of missense changes on protein structure and function (PolyPhen-2) suggests that this variant is likely to be tolerated. In summary, the available evidence is currently insufficient to determine the role of this variant in disease. Therefore, it has been classified as a Variant of Uncertain Significance.